The following is an entry in ClinVar:

ClinVar aggregate classification (germline): Uncertain significance (1 of 4 stars; one submission).

Conditions:
Developmental and epileptic encephalopathy, 42 (DEE42A). Also called: DEVELOPMENTAL AND EPILEPTIC ENCEPHALOPATHY 42A; EPILEPTIC ENCEPHALOPATHY, EARLY INFANTILE, 42A; Epileptic encephalopathy, early infantile, 42. Identifiers: MedGen C4310716, MONDO:0014917, OMIM 617106.

Submission:

Laboratorio de Genetica e Diagnostico Molecular, Hospital Israelita Albert Einstein
Classification: Uncertain significance for Developmental and epileptic encephalopathy, 42. Last evaluated: 2022-02-08. Review status: criteria provided, single submitter. Criteria: ACMG Guidelines, 2015. Collection method: clinical testing. Allele origin: germline. Affected: yes.
Comment: ACMG classification criteria: PM2 moderate, PP2 supporting

NM_001127222.2(CACNA1A):c.5720A>G (p.Lys1907Arg)

Gene: CACNA1A (calcium voltage-gated channel subunit alpha1 A; minus strand). Cytogenetic location: 19p13.13.
Variant type: single nucleotide variant.
Coding change: c.5720A>G on transcript NM_001127222.2 (MANE Select); coding-DNA position 5720, A replaced by G.
Protein change: p.Lys1907Arg; replaces lysine 1907 with arginine.
Molecular consequence: missense variant.
Genome position (GRCh38, 1-based): chr19:13,224,678, T>C on the plus strand (A>G on the coding strand, the complement: CACNA1A is on the minus strand). VCF-style: chr19-13224678-T-C. GRCh37 (hg19) VCF-style: chr19-13335492-T-C.
Other names: c.5738A>G, p.Lys1913Arg (NM_000068.4, NM_023035.3); c.5723A>G, p.Lys1908Arg (NM_001127221.2); c.5729A>G, p.Lys1910Arg (NM_001174080.2); short protein forms K1907R, K1908R, K1910R, K1913R.
Identifiers: ClinVar variation 1683536 (VCV001683536.2), dbSNP rs2144594984, ClinGen allele CA404336774.
Genomic context (GRCh38, chr19:13,224,678, plus strand): 5'-GGTTCCACCCTGTCACGCCTGTCTGTGCCCGCCCCTGTCCCTTCCTTACCCTTGGCAATC[T>C]TGATGTCCAGGGCTGTGCGGATCAGAGCCATGAGGGTGGAATTGAAGTGGACGGTGTTGT-3'
Protein context (NP_001120694.1, residues 1897-1917): MALIRTALDI[Lys1907Arg]IAKGGADKQQ